The following is an entry in ClinVar:

NM_002187.3(IL12B):c.79A>C (p.Lys27Gln)

Gene: IL12B (interleukin 12B; minus strand). Cytogenetic location: 5q33.3.
Variant type: single nucleotide variant.
Coding change: c.79A>C on transcript NM_002187.3 (MANE Select); coding-DNA position 79, A replaced by C.
Protein change: p.Lys27Gln; replaces lysine 27 with glutamine.
Molecular consequence: missense variant.
Genome position (GRCh38, 1-based): chr5:159,326,704, T>G on the plus strand (A>C on the coding strand, the complement: IL12B is on the minus strand). VCF-style: chr5-159326704-T-G. GRCh37 (hg19) VCF-style: chr5-158753712-T-G.
Other names: short protein forms K27Q.
Identifiers: ClinVar variation 1500360 (VCV001500360.5), dbSNP rs980443442, ClinGen allele CA129831072.

ClinVar aggregate classification (germline): Uncertain significance (1 of 4 stars; one submission).

Conditions:
Mendelian susceptibility to mycobacterial diseases due to complete IL12B deficiency. Also called: IL12B DEFICIENCY; Immunodeficiency 29. Identifiers: Orphanet 319558, MedGen C4013948, MONDO:0013954, OMIM 614890.

Allele frequency attached by ClinVar (database versions not stated): gnomAD 0.00001; gnomAD exomes 0.00001 and 0.00002; TOPMed 0.00003.

Submission:

Labcorp Genetics (formerly Invitae), Labcorp
Classification: Uncertain significance for Mendelian susceptibility to mycobacterial diseases due to complete IL12B deficiency. Last evaluated: 2022-08-10. Review status: criteria provided, single submitter. Criteria: Invitae Variant Classification Sherloc (09022015). Collection method: clinical testing. Allele origin: germline.
Comment: This sequence change replaces lysine, which is basic and polar, with glutamine, which is neutral and polar, at codon 27 of the IL12B protein (p.Lys27Gln). This variant is present in population databases (no rsID available, gnomAD 0.0009%). This variant has not been reported in the literature in individuals affected with IL12B-related conditions. ClinVar contains an entry for this variant (Variation ID: 1500360). Algorithms developed to predict the effect of missense changes on protein structure and function output the following: SIFT: "Tolerated"; PolyPhen-2: "Benign"; Align-GVGD: "Class C0". The glutamine amino acid residue is found in multiple mammalian species, which suggests that this missense change does not adversely affect protein function. In summary, the available evidence is currently insufficient to determine the role of this variant in disease. Therefore, it has been classified as a Variant of Uncertain Significance.